The following is an entry in ClinVar:

ClinVar aggregate classification (germline): Likely benign (1 of 4 stars; one submission).

Conditions:
Familial infantile myoclonic epilepsy (FIME). Also called: TBC1D24-Related Familial Infantile Myoclonic Epilepsy (FIME); Epilepsy, Myoclonic, Infantile. Identifiers: Orphanet 352582, MedGen C0917800, MONDO:0011506, OMIM 605021.

Allele frequency attached by ClinVar (database versions not stated): 1000 Genomes Project 30x 0.00156; gnomAD 0.00216 and 0.00211; 1000 Genomes Project 0.00160; TOPMed 0.00259.

Submission:

Illumina Laboratory Services, Illumina
Classification: Likely benign for Familial infantile myoclonic epilepsy. Last evaluated: 2018-01-12. Review status: criteria provided, single submitter. Criteria: ICSL Variant Classification Criteria 13 December 2019. Collection method: clinical testing. Allele origin: germline.
Comment: This variant was observed in the ICSL laboratory as part of a predisposition screen in an ostensibly healthy population. It had not been previously curated by ICSL or reported in the Human Gene Mutation Database (HGMD: prior to June 1st, 2018), and was therefore a candidate for classification through an automated scoring system. Utilizing variant allele frequency, disease prevalence and penetrance estimates, and inheritance mode, an automated score was calculated to assess if this variant is too frequent to cause the disease. Based on the score and internal cut-off values, a variant classified as likely benign is not then subjected to further curation. The score for this variant resulted in a classification of likely benign for this disease.

NM_001199107.2(TBC1D24):c.*3218T>G

Gene: TBC1D24 (TBC1 domain family member 24; plus strand). Cytogenetic location: 16p13.3.
Variant type: single nucleotide variant.
Coding change: c.*3218T>G on transcript NM_001199107.2 (MANE Select); 3218 bases downstream of the stop codon, T replaced by G.
Molecular consequence: 3 prime UTR variant.
Genome position (GRCh38, 1-based): chr16:2,504,176, T>G. VCF-style: chr16-2504176-T-G. GRCh37 (hg19) VCF-style: chr16-2554177-T-G.
Other names: c.*3218T>G (NM_020705.3).
Identifiers: ClinVar variation 318680 (VCV000318680.5), dbSNP rs564761307, ClinGen allele CA10643324.
Genomic context (GRCh38, chr16:2,504,176, plus strand): 5'-TTTTTTGAGTTTTTCAGTGGAATTTGTTTTAAAACGTTTTGAAGATTTCAGAGGCCTTCA[T>G]ATTTCTCTTATCCACTTTCTGAACCCATAAAGCCTTTGCAGTCTCCTTGAGTAGTTTATA-3'